The following is an entry in ClinVar:

ClinVar aggregate classification (germline): Uncertain significance. Review status: criteria provided, multiple submitters, no conflicts (2 of 4 stars). 2 submissions from 2 submitters: Uncertain significance (2). Last evaluated 2025-12-05.

Conditions:
Hereditary cancer-predisposing syndrome. Also called: Hereditary Cancer Syndrome; Hereditary neoplastic syndrome; Neoplastic Syndromes, Hereditary; Tumor predisposition. Identifiers: Orphanet 140162, MedGen C0027672, MeSH D009386, MONDO:0015356.
Familial adenomatous polyposis 1 (FAP1). Also called: FAMILIAL ADENOMATOUS POLYPOSIS 1, ATTENUATED; POLYPOSIS, ADENOMATOUS INTESTINAL. Identifiers: MedGen C2713442, MONDO:0021056, OMIM 175100. Disease mechanism: loss of function.

Submissions (2):

Ambry Genetics
Classification: Uncertain significance for Hereditary cancer-predisposing syndrome. Last evaluated: 2025-12-05. Review status: criteria provided, single submitter. Criteria: Ambry Variant Classification Scheme 2023. Collection method: clinical testing. Allele origin: germline.
Comment: The c.337_342delGTTCCT variant (also known as p.V113_P114del) is located in coding exon 3 of the APC gene. This variant results from an in-frame GTTCCT deletion at nucleotide positions 337 to 342. This results in the in-frame deletion of V and P residues at codons 113 and 114. This amino acid region is highly conserved in available vertebrate species. In addition, the in silico prediction for this variant is inconclusive (Choi Y et al. PLoS ONE. 2012; 7(10):e46688). Based on the available evidence, the clinical significance of this variant remains unclear.

Labcorp Genetics (formerly Invitae), Labcorp
Classification: Uncertain significance for Familial adenomatous polyposis 1. Last evaluated: 2024-10-09. Review status: criteria provided, single submitter. Criteria: Invitae Variant Classification Sherloc (09022015). Collection method: clinical testing. Allele origin: germline.
Comment: This variant, c.337_342del, results in the deletion of 2 amino acid(s) of the APC protein (p.Val113_Pro114del), but otherwise preserves the integrity of the reading frame. This variant is not present in population databases (gnomAD no frequency). This variant has not been reported in the literature in individuals affected with APC-related conditions. Experimental studies and prediction algorithms are not available or were not evaluated, and the functional significance of this variant is currently unknown. In summary, the available evidence is currently insufficient to determine the role of this variant in disease. Therefore, it has been classified as a Variant of Uncertain Significance.

NM_000038.6(APC):c.337_342del (p.Val113_Pro114del)

Gene: APC (APC regulator of Wnt signaling pathway; plus strand). Cytogenetic location: 5q22.2.
Variant type: Deletion.
Coding change: c.337_342del on transcript NM_000038.6 (MANE Select); coding-DNA positions 337 to 342, 6 bases deleted (GTTCCT; older notation c.337_342delGTTCCT).
Protein change: p.Val113_Pro114del.
Molecular consequence: 5 prime UTR variant (on NM_001407470.1). On other transcripts: non-coding transcript variant (2).
Genome position (GRCh38, 1-based): chr5:112,767,305-112,767,310, GTTCCT deleted; deleting any 6 consecutive bases within chr5:112,767,301-112,767,310 gives the same sequence; the c. name uses the placement nearest the transcript's 3' end. VCF-style (leftmost placement, unchanged base first): chr5-112767300-GTCCTGT-G. GRCh37 (hg19) VCF-style: chr5-112102997-GTCCTGT-G.
Other names: c.337_342del, p.Val113_Pro114del (NM_001407449.1, NM_001407450.1, NM_001407452.1 and 16 more transcripts); c.262_267del, p.Val88_Pro89del (NM_001407451.1, NM_001354898.2, NM_001354904.2); c.160_165del, p.Val54_Pro55del (NM_001407453.1, NM_001354900.2, NM_001354901.2 and 1 more transcripts); c.-699_-694del (NM_001407470.1, NM_001407471.1, NM_001407472.1 and 1 more transcripts); c.367_372del, p.Val123_Pro124del (NM_001127511.3, NM_001354897.2, NM_001354902.2 and 1 more transcripts); c.337_342delGTTCCT (NM_000038.5).
Identifiers: ClinVar variation 3668272 (VCV003668272.3).
Genomic context (GRCh38, chr5:112,767,300, plus strand): 5'-TGTCCCTCCGTTCTTATGGAAGCCGGGAAGGATCTGTATCAAGCCGTTCTGGAGAGTGCA[GTCCTGT>G]TCCTATGGGTTCATTTCCAAGAAGAGGGTTTGTAAATGGAAGCAGAGAAAGTACTGGATA-3'